The following is an entry in ClinVar:

NM_025081.3(NYNRIN):c.761G>A (p.Gly254Asp)

Gene: NYNRIN (NYN domain and retroviral integrase containing; plus strand). Cytogenetic location: 14q12.
Variant type: single nucleotide variant.
Coding change: c.761G>A on transcript NM_025081.3 (MANE Select); coding-DNA position 761, G replaced by A.
Protein change: p.Gly254Asp; replaces glycine 254 with aspartic acid.
Molecular consequence: missense variant.
Genome position (GRCh38, 1-based): chr14:24,408,431, G>A. VCF-style: chr14-24408431-G-A. GRCh37 (hg19) VCF-style: chr14-24877637-G-A.
Other names: short protein forms G254D.
Identifiers: ClinVar variation 4813160 (VCV004813160.1).

ClinVar aggregate classification (germline): Uncertain significance (1 of 4 stars; one submission).

Conditions:
Predisposition to Wilms tumor.

gnomAD v4.1: 2 of 1,613,244 alleles (0.00012%); highest among the groups gnomAD compares: African/African-American, 0.0013%; no homozygotes.

Submission:

St. Jude Molecular Pathology, St. Jude Children's Research Hospital
Classification: Uncertain significance for Predisposition to Wilms tumor. Last evaluated: 2026-02-11. Review status: criteria provided, single submitter. Criteria: St. Jude Assertion Criteria 2020. Collection method: clinical testing. Allele origin: germline.
Comment: The NYNRIN c.761G>A p.(Gly254Asp) missense change has a maximum subpopulation frequency of 0.0067% in gnomAD v2.1.1. The in silico tool REVEL predicts a benign effect on protein function, but to our knowledge this prediction has not been confirmed by functional studies. To our knowledge, this variant has not been reported in the literature in individuals with Wilms tumor. In summary, the evidence currently available is insufficient to determine the clinical significance of this variant. It has therefore been classified as of uncertain significance.